The following is an entry in ClinVar:

NM_000264.5(PTCH1):c.983A>T (p.His328Leu)

Gene: PTCH1 (patched 1; minus strand). Cytogenetic location: 9q22.32.
Variant type: single nucleotide variant.
Coding change: c.983A>T on transcript NM_000264.5 (MANE Select); coding-DNA position 983, A replaced by T.
Protein change: p.His328Leu; replaces histidine 328 with leucine.
Molecular consequence: missense variant. On other transcripts: non-coding transcript variant (1).
Genome position (GRCh38, 1-based): chr9:95,480,053, T>A on the plus strand (A>T on the coding strand, the complement: PTCH1 is on the minus strand). VCF-style: chr9-95480053-T-A. GRCh37 (hg19) VCF-style: chr9-98242335-T-A.
Other names: c.785A>T, p.His262Leu (NM_001083602.3); c.980A>T, p.His327Leu (NM_001083603.3); c.530A>T, p.His177Leu (NM_001083604.3, NM_001083605.3, NM_001083606.3 and 1 more transcripts); c.983A>T, p.His328Leu (NM_001354918.2); short protein forms H177L, H262L, H327L, H328L.
Identifiers: ClinVar variation 955224 (VCV000955224.14), dbSNP rs1484111496, ClinGen allele CA374119741.
Genomic context (GRCh38, chr9:95,480,053, plus strand): 5'-TTGACTGTGCCACCCACAATCAACTCCTCCTGCCAGTGCATATACTTTCTGGATAAGCCA[T>A]GACATCCACCATTCAAAACAAGGGCCATATCAAGAGGCTAAAATAAAAAGACAGCCACAT-3'
Protein context (NP_000255.2, residues 318-338): DMALVLNGGC[His328Leu]GLSRKYMHWQ

ClinVar aggregate classification (germline): Conflicting classifications of pathogenicity. Review status: criteria provided, conflicting classifications (1 of 4 stars). 3 submissions from 3 submitters: Uncertain significance (2); Likely benign (1). Last evaluated 2026-02-11.

Conditions:
Hereditary cancer-predisposing syndrome. Also called: Hereditary neoplastic syndrome; Tumor predisposition; Neoplastic Syndromes, Hereditary; Hereditary Cancer Syndrome. Identifiers: Orphanet 140162, MedGen C0027672, MeSH D009386, MONDO:0015356.
Basal cell nevus syndrome 1 (BCNS1). Also called: MULTIPLE BASAL CELL NEVI, ODONTOGENIC KERATOCYSTS, AND SKELETAL ANOMALIES; GORLIN-GOLTZ SYNDROME. Identifiers: MedGen CN376810, MONDO:0958174, OMIM 109400.
Gorlin syndrome. Also called: Basal cell nevus syndrome; Nevoid Basal Cell Carcinoma Syndrome. Identifiers: Orphanet 377, MedGen C0004779, MONDO:0007187.

Allele frequency attached by ClinVar (database versions not stated): gnomAD exomes below 0.00001.
gnomAD v4.1: 21 of 1,613,962 alleles (0.0013%); highest among the groups gnomAD compares: Non-Finnish European, 0.0017%; no homozygotes.

Submissions (3):

St. Jude Molecular Pathology, St. Jude Children's Research Hospital
Classification: Uncertain significance for Basal cell nevus syndrome 1. Last evaluated: 2026-02-11. Review status: criteria provided, single submitter. Criteria: St. Jude Assertion Criteria 2020. Collection method: clinical testing. Allele origin: germline.
Comment: The PTCH1 c.983A>T p.(His328Leu) missense change has a maximum subpopulation frequency of 0.005% in gnomAD v2.1.1. The in silico tool REVEL is inconclusive about a pathogenic or benign effect of this variant on protein function, and to our knowledge functional studies have not been performed. To our knowledge, this variant has not been reported in individuals with nevoid basal cell carcinom a syndrome. In summary, the evidence currently available is insufficient to determine the clinical significance of this variant. It has therefore been classified as of uncertain significance.

Labcorp Genetics (formerly Invitae), Labcorp
Classification: Likely benign for Gorlin syndrome. Last evaluated: 2025-05-19. Review status: criteria provided, single submitter. Criteria: Invitae Variant Classification Sherloc (09022015). Collection method: clinical testing. Allele origin: germline.

Ambry Genetics
Classification: Uncertain significance for Hereditary cancer-predisposing syndrome. Last evaluated: 2025-05-03. Review status: criteria provided, single submitter. Criteria: Ambry Variant Classification Scheme 2023. Collection method: clinical testing. Allele origin: germline.
Comment: The p.H328L variant (also known as c.983A>T), located in coding exon 7 of the PTCH1 gene, results from an A to T substitution at nucleotide position 983. The histidine at codon 328 is replaced by leucine, an amino acid with similar properties. This amino acid position is conserved. In addition, the in silico prediction for this alteration is inconclusive. Since supporting evidence is limited at this time, the clinical significance of this alteration remains unclear.